The following is an entry in ClinVar:

ClinVar aggregate classification (germline): Likely pathogenic (1 of 4 stars; one submission).

Conditions:
Neurofibromatosis, type 1 (NF1). Also called: VON RECKLINGHAUSEN DISEASE; Peripheral type neurofibromatosis; NEUROFIBROMATOSIS, TYPE I, SOMATIC; Neurofibromatosis, type I. Identifiers: Orphanet 636, MedGen C0027831, MONDO:0018975, OMIM 162200. Disease mechanism: loss of function.

Submission:

Labcorp Genetics (formerly Invitae), Labcorp
Classification: Likely pathogenic for Neurofibromatosis, type 1. Last evaluated: 2020-08-24. Review status: criteria provided, single submitter. Criteria: Invitae Variant Classification Sherloc (09022015). Collection method: clinical testing. Allele origin: germline.
Comment: This variant is an in-frame deletion of the genomic region encompassing exon(s) 30-33 of the NF1 gene. It preserves the integrity of the reading frame. This variant has not been reported in the literature in individuals with NF1-related conditions. This variant disrupts the p.Arg1391 amino acid residue in NF1. Other variant(s) that disrupt this residue have been determined to be pathogenic (PMID: 27322474, 24789688, Invitae). This suggests that this residue is clinically significant, and that variants that disrupt this residue are likely to be disease-causing. In summary, the currently available evidence indicates that the variant is pathogenic, but additional data are needed to prove that conclusively. Therefore, this variant has been classified as Likely Pathogenic.

Literature cited by the submitters: PubMed 27322474; PubMed 24789688.

NC_000017.10:g.(?_29575992)_(29587543_?)del

Gene: NF1 (neurofibromin 1; plus strand). Cytogenetic location: 17q11.2.
Variant type: Deletion.
Identifiers: ClinVar variation 1067837 (VCV001067837.1).